The following is an entry in ClinVar:

NM_018838.5(NDUFA12):c.-11A>G

Gene: NDUFA12 (NADH:ubiquinone oxidoreductase subunit A12; minus strand). Cytogenetic location: 12q22.
Variant type: single nucleotide variant.
Coding change: c.-11A>G on transcript NM_018838.5 (MANE Select); 11 bases upstream of the start codon, A replaced by G.
Molecular consequence: 5 prime UTR variant.
Genome position (GRCh38, 1-based): chr12:95,003,691, T>C on the plus strand (A>G on the coding strand, the complement: NDUFA12 is on the minus strand). VCF-style: chr12-95003691-T-C. GRCh37 (hg19) VCF-style: chr12-95397467-T-C.
Other names: c.-11A>G (NM_001258338.2).
Identifiers: ClinVar variation 388276 (VCV000388276.1), dbSNP rs200224620, ClinGen allele CA6722673.

ClinVar aggregate classification (germline): Likely benign (1 of 4 stars; one submission).

Allele frequency attached by ClinVar (database versions not stated): ESP Exome Variant Server 0.00008; TOPMed 0.00026; 1000 Genomes Project 30x 0.00031.
gnomAD v4.1: 586 of 1,614,122 alleles (0.036%); highest among the groups gnomAD compares: Admixed American, 0.072%; no homozygotes.

Submission:

GeneDx
Classification: Likely benign. Last evaluated: 2017-05-24. Review status: criteria provided, single submitter. Criteria: GeneDx Variant Classification (06012015). Collection method: clinical testing. Allele origin: germline. Affected: yes.
Comment: This variant is considered likely benign or benign based on one or more of the following criteria: it is a conservative change, it occurs at a poorly conserved position in the protein, it is predicted to be benign by multiple in silico algorithms, and/or has population frequency not consistent with disease.